The following is an entry in ClinVar:

ClinVar aggregate classification (germline): Uncertain significance (1 of 4 stars; one submission).

Conditions:
Developmental and epileptic encephalopathy, 25 (DEE25). Also called: Epileptic encephalopathy, early infantile, 25; Developmental and epileptic encephalopathy 25, with amelogenesis imperfecta; Epileptic encephalopathy, early infantile, 25, with amelogenesis imperfecta. Identifiers: Orphanet 442835, MedGen C4014621, MONDO:0014392, OMIM 615905.

Allele frequency attached by ClinVar (database versions not stated): gnomAD exomes below 0.00001.
gnomAD v4.1: 2 of 1,614,128 alleles (0.00012%); highest among the groups gnomAD compares: Non-Finnish European, 0.000085%; no homozygotes.

Submission:

Labcorp Genetics (formerly Invitae), Labcorp
Classification: Uncertain significance for Developmental and epileptic encephalopathy, 25. Last evaluated: 2022-01-15. Review status: criteria provided, single submitter. Criteria: Invitae Variant Classification Sherloc (09022015). Collection method: clinical testing. Allele origin: germline.
Comment: In summary, the available evidence is currently insufficient to determine the role of this variant in disease. Therefore, it has been classified as a Variant of Uncertain Significance. This sequence change replaces glycine, which is neutral and non-polar, with serine, which is neutral and polar, at codon 190 of the SLC13A5 protein (p.Gly190Ser). This variant is not present in population databases (gnomAD no frequency). This variant has not been reported in the literature in individuals affected with SLC13A5-related conditions. ClinVar contains an entry for this variant (Variation ID: 1043713). Algorithms developed to predict the effect of missense changes on protein structure and function (SIFT, PolyPhen-2, Align-GVGD) all suggest that this variant is likely to be tolerated.

NM_177550.5(SLC13A5):c.568G>A (p.Gly190Ser)

Gene: SLC13A5 (solute carrier family 13 member 5; minus strand). Cytogenetic location: 17p13.1.
Variant type: single nucleotide variant.
Coding change: c.568G>A on transcript NM_177550.5 (MANE Select); coding-DNA position 568, G replaced by A.
Protein change: p.Gly190Ser; replaces glycine 190 with serine.
Molecular consequence: missense variant.
Genome position (GRCh38, 1-based): chr17:6,703,118, C>T on the plus strand (G>A on the coding strand, the complement: SLC13A5 is on the minus strand). VCF-style: chr17-6703118-C-T. GRCh37 (hg19) VCF-style: chr17-6606437-C-T.
Other names: c.568G>A, p.Gly190Ser (NM_001143838.3); c.517G>A, p.Gly173Ser (NM_001284509.2); c.439G>A, p.Gly147Ser (NM_001284510.2); short protein forms G147S, G173S, G190S.
Identifiers: ClinVar variation 1043713 (VCV001043713.9), dbSNP rs1973761446, ClinGen allele CA397749510.